The following is an entry in ClinVar:

NM_000434.4(NEU1):c.1118T>C (p.Leu373Pro)

Gene: NEU1 (neuraminidase 1; minus strand). Cytogenetic location: 6p21.33.
Variant type: single nucleotide variant.
Coding change: c.1118T>C on transcript NM_000434.4 (MANE Select); coding-DNA position 1118, T replaced by C.
Protein change: p.Leu373Pro; replaces leucine 373 with proline.
Molecular consequence: missense variant.
Genome position (GRCh38, 1-based): chr6:31,859,849, A>G on the plus strand (T>C on the coding strand, the complement: NEU1 is on the minus strand). VCF-style: chr6-31859849-A-G. GRCh37 (hg19) VCF-style: chr6-31827626-A-G.
Other names: short protein forms L373P.
Identifiers: ClinVar variation 4525923 (VCV004525923.1).

ClinVar aggregate classification (germline): Uncertain significance (1 of 4 stars; one submission).

gnomAD v4.1: 2 of 1,613,070 alleles (0.00012%); highest among the groups gnomAD compares: East Asian, 0.0045%; no homozygotes.

Submission:

Women's Health and Genetics/Laboratory Corporation of America, LabCorp
Classification: Uncertain significance. Last evaluated: 2025-07-14. Review status: criteria provided, single submitter. Criteria: LabCorp Variant Classification Summary - May 2015. Collection method: clinical testing. Allele origin: germline.
Comment: Variant summary: NEU1 c.1118T>C (p.Leu373Pro) results in a non-conservative amino acid change in the encoded protein sequence. Algorithms developed to predict the effect of missense changes on protein structure and function all suggest that this variant is likely to be disruptive. The variant was absent in 246552 control chromosomes. c.1118T>C has been observed in compound heterozygous individuals affected with Sialidosis (Lv_2020, Lin_2024)). These data indicate that the variant may be associated with disease. To our knowledge, no experimental evidence demonstrating an impact on protein function has been reported. The following publications have been ascertained in the context of this evaluation (PMID: 39350194, 32472350, 39482827, 32472645). No submitters have cited clinical-significance assessments for this variant to ClinVar. Based on the evidence outlined above, the variant was classified as VUS-possibly pathogenic.

Literature cited by the submitters: PubMed 32472645; PubMed 39350194; PubMed 32472350; PubMed 39482827.